The following is an entry in ClinVar:

NM_018136.5(ASPM):c.3391-83A>G

Gene: ASPM (assembly factor for spindle microtubules; minus strand). Cytogenetic location: 1q31.3.
Variant type: single nucleotide variant.
Coding change: c.3391-83A>G on transcript NM_018136.5 (MANE Select); 83 bases into the intron before coding-DNA position 3391, A replaced by G.
Molecular consequence: intron variant.
Genome position (GRCh38, 1-based): chr1:197,122,678, T>C on the plus strand (A>G on the coding strand, the complement: ASPM is on the minus strand). VCF-style: chr1-197122678-T-C. GRCh37 (hg19) VCF-style: chr1-197091808-T-C.
Other names: c.3391-83A>G (NM_001206846.2).
Identifiers: ClinVar variation 678194 (VCV000678194.2), dbSNP rs61819088, ClinGen allele CA10991505.

ClinVar aggregate classification (germline): Benign. Review status: criteria provided, multiple submitters, no conflicts (2 of 4 stars). 2 submissions from 2 submitters: Benign (2). Last evaluated 2018-06-14.

Allele frequency attached by ClinVar (database versions not stated): 1000 Genomes Project 30x 0.21002; 1000 Genomes Project 0.21286; TOPMed 0.28381; gnomAD 0.30223; gnomAD exomes 0.39632.
gnomAD v4.1: 496,550 of 1,292,056 alleles (38%); highest among the groups gnomAD compares: Non-Finnish European, 43%; 102,883 homozygotes.

Submissions (2):

GeneDx
Classification: Benign. Last evaluated: 2018-06-14. Review status: criteria provided, single submitter. Criteria: GeneDx Variant Classification (06012015). Collection method: clinical testing. Allele origin: germline. Affected: yes.
Comment: This variant is considered likely benign or benign based on one or more of the following criteria: it is a conservative change, it occurs at a poorly conserved position in the protein, it is predicted to be benign by multiple in silico algorithms, and/or has population frequency not consistent with disease.

Breakthrough Genomics
Classification: Benign. Review status: criteria provided, single submitter. Criteria: ACMG Guidelines, 2015. Collection method: not provided. Allele origin: germline. Inheritance: Autosomal recessive inheritance. Affected: yes.